The following is an entry in ClinVar:

NM_024675.4(PALB2):c.610T>G (p.Ser204Ala)

Gene: PALB2 (partner and localizer of BRCA2; minus strand). Cytogenetic location: 16p12.2.
Variant type: single nucleotide variant.
Coding change: c.610T>G on transcript NM_024675.4 (MANE Select); coding-DNA position 610, T replaced by G.
Protein change: p.Ser204Ala; replaces serine 204 with alanine.
Molecular consequence: missense variant.
Genome position (GRCh38, 1-based): chr16:23,635,936, A>C on the plus strand (T>G on the coding strand, the complement: PALB2 is on the minus strand). VCF-style: chr16-23635936-A-C. GRCh37 (hg19) VCF-style: chr16-23647257-A-C.
Other names: short protein forms S204A.
Identifiers: ClinVar variation 187023 (VCV000187023.7), dbSNP rs786203412, ClinGen allele CA196527.

ClinVar aggregate classification (germline): Uncertain significance. Review status: criteria provided, multiple submitters, no conflicts (2 of 4 stars). 2 submissions from 2 submitters: Uncertain significance (2). Last evaluated 2021-09-14.

Conditions:
Hereditary cancer-predisposing syndrome. Also called: Neoplastic Syndromes, Hereditary; Tumor predisposition; Hereditary Cancer Syndrome; Hereditary neoplastic syndrome. Identifiers: Orphanet 140162, MedGen C0027672, MeSH D009386, MONDO:0015356.

Submissions (2):

Color Diagnostics, LLC DBA Color Health
Classification: Uncertain significance for Hereditary cancer-predisposing syndrome. Last evaluated: 2021-09-14. Review status: criteria provided, single submitter. Criteria: ACMG Guidelines, 2015. Collection method: clinical testing. Allele origin: germline.
Comment: This missense variant replaces serine with alanine at codon 204 of the PALB2 protein. Computational prediction suggests that this variant may not impact protein structure and function (internally defined REVEL score threshold <= 0.5, PMID: 27666373). To our knowledge, functional studies have not been reported for this variant. This variant has not been reported in individuals affected with hereditary cancer in the literature. This variant has not been identified in the general population by the Genome Aggregation Database (gnomAD). The available evidence is insufficient to determine the role of this variant in disease conclusively. Therefore, this variant is classified as a Variant of Uncertain Significance.

Ambry Genetics
Classification: Uncertain significance for Hereditary cancer-predisposing syndrome. Last evaluated: 2017-11-28. Review status: criteria provided, single submitter. Criteria: Ambry Variant Classification Scheme 2023. Collection method: clinical testing. Allele origin: germline.
Comment: The p.S204A variant (also known as c.610T>G), located in coding exon 4 of the PALB2 gene, results from a T to G substitution at nucleotide position 610. The serine at codon 204 is replaced by alanine, an amino acid with similar properties. This amino acid position is not well conserved in available vertebrate species. In addition, this alteration is predicted to be tolerated by in silico analysis. Since supporting evidence is limited at this time, the clinical significance of this alteration remains unclear.